The following is an entry in ClinVar:

ClinVar aggregate classification (germline): Conflicting classifications of pathogenicity. Review status: criteria provided, conflicting classifications (1 of 4 stars). 4 submissions from 4 submitters: Uncertain significance (1); Likely benign (2). 1 of the submissions does not count toward it. Last evaluated 2025-10-27.

Conditions:
KMT2A-related disorder. Also called: KMT2A-related condition.
Inborn genetic diseases. Identifiers: MedGen C0950123, MeSH D030342.

Allele frequency attached by ClinVar (database versions not stated): gnomAD exomes 0.00001 and 0.00003; gnomAD 0.00010 and 0.00009.
gnomAD v4.1: 55 of 1,604,066 alleles (0.0034%); highest among the groups gnomAD compares: Admixed American, 0.0067%; no homozygotes.

Submissions (4):

Labcorp Genetics (formerly Invitae), Labcorp
Classification: Uncertain significance. Last evaluated: 2025-10-27. Review status: criteria provided, single submitter. Criteria: Invitae Variant Classification Sherloc (09022015). Collection method: clinical testing. Allele origin: germline.
Comment: This sequence change replaces serine, which is neutral and polar, with leucine, which is neutral and non-polar, at codon 87 of the KMT2A protein (p.Ser87Leu). This variant is present in population databases (no rsID available, gnomAD 0.004%). This variant has not been reported in the literature in individuals affected with KMT2A-related conditions. ClinVar contains an entry for this variant (Variation ID: 1388295). Invitae Evidence Modeling of protein sequence and biophysical properties (such as structural, functional, and spatial information, amino acid conservation, physicochemical variation, residue mobility, and thermodynamic stability) has been performed for this missense variant. However, the output from this modeling did not meet the statistical confidence thresholds required to predict the impact of this variant on KMT2A protein function. In summary, the available evidence is currently insufficient to determine the role of this variant in disease. Therefore, it has been classified as a Variant of Uncertain Significance.

CeGaT Center for Human Genetics Tuebingen
Classification: Likely benign. Last evaluated: 2025-10-01. Review status: criteria provided, single submitter. Criteria: CeGaT Center For Human Genetics Tuebingen Variant Classification Criteria Version 2. Collection method: clinical testing. Allele origin: germline. Affected: yes. Observed: 1 variant allele.
Comment: KMT2A: BP4

Ambry Genetics
Classification: Likely benign for Inborn genetic diseases. Last evaluated: 2024-01-04. Review status: criteria provided, single submitter. Criteria: Ambry Variant Classification Scheme 2023. Collection method: clinical testing. Allele origin: germline.

PreventionGenetics, part of Exact Sciences
Classification: Uncertain significance for KMT2A-related condition. Last evaluated: 2024-02-08. Review status: no assertion criteria provided. Collection method: clinical testing. Allele origin: germline. Not counted in ClinVar's aggregate classification.
Comment: The KMT2A c.260C>T variant is predicted to result in the amino acid substitution p.Ser87Leu. To our knowledge, this variant has not been reported in the literature. This variant is reported in 0.0035% of alleles in individuals of European (Non-Finnish) descent in gnomAD. At this time, the clinical significance of this variant is uncertain due to the absence of conclusive functional and genetic evidence.

NM_001197104.2(KMT2A):c.260C>T (p.Ser87Leu)

Gene: KMT2A (lysine methyltransferase 2A; plus strand). Cytogenetic location: 11q23.3.
Variant type: single nucleotide variant.
Coding change: c.260C>T on transcript NM_001197104.2 (MANE Select); coding-DNA position 260, C replaced by T.
Protein change: p.Ser87Leu; replaces serine 87 with leucine.
Molecular consequence: missense variant.
Genome position (GRCh38, 1-based): chr11:118,436,772, C>T. VCF-style: chr11-118436772-C-T. GRCh37 (hg19) VCF-style: chr11-118307487-C-T.
Other names: c.260C>T, p.Ser87Leu (NM_005933.4); c.260C>T (NM_001197104.1); short protein forms S87L.
Identifiers: ClinVar variation 1388295 (VCV001388295.15), dbSNP rs868991793, ClinGen allele CA382797906.